The following is an entry in ClinVar:

NM_005548.3(KARS1):c.1166C>T (p.Pro389Leu)

Gene: KARS1 (lysyl-tRNA synthetase 1; minus strand). Cytogenetic location: 16q23.1.
Variant type: single nucleotide variant.
Coding change: c.1166C>T on transcript NM_005548.3 (MANE Select); coding-DNA position 1166, C replaced by T.
Protein change: p.Pro389Leu; replaces proline 389 with leucine.
Molecular consequence: missense variant.
Genome position (GRCh38, 1-based): chr16:75,631,502, G>A on the plus strand (C>T on the coding strand, the complement: KARS1 is on the minus strand). VCF-style: chr16-75631502-G-A. GRCh37 (hg19) VCF-style: chr16-75665400-G-A.
Other names: c.1250C>T, p.Pro417Leu (NM_001130089.2); c.698C>T, p.Pro233Leu (NM_001378148.1); short protein forms P389L, P417L, P233L.
Identifiers: ClinVar variation 2770692 (VCV002770692.3), dbSNP rs2507557431, ClinGen allele CA396811752.
Genomic context (GRCh38, chr16:75,631,502, plus strand): 5'-GGCAGCTTCATCCCCAGGGCTTTCTCAAGCTCTTCTACCATGTTGATTCGCCGGAAGGGT[G>A]GGGTGAAGTCAACATCGTAGGCTTGGCCCTCTGGGCCATCTGGGTGGTAGGTGACCTTGT-3'
Protein context (NP_005539.1, residues 379-399): EGQAYDVDFT[Pro389Leu]PFRRINMVEE

ClinVar aggregate classification (germline): Uncertain significance (1 of 4 stars; one submission).

Allele frequency attached by ClinVar (database versions not stated): gnomAD exomes below 0.00001.
gnomAD v4.1: 1 of 1,614,120 alleles (0.000062%); highest among the groups gnomAD compares: Non-Finnish European, 0.000085%; no homozygotes.

Submission:

Labcorp Genetics (formerly Invitae), Labcorp
Classification: Uncertain significance. Last evaluated: 2023-10-22. Review status: criteria provided, single submitter. Criteria: Invitae Variant Classification Sherloc (09022015). Collection method: clinical testing. Allele origin: germline.
Comment: This sequence change replaces proline, which is neutral and non-polar, with leucine, which is neutral and non-polar, at codon 417 of the KARS protein (p.Pro417Leu). This variant is not present in population databases (gnomAD no frequency). This variant has not been reported in the literature in individuals affected with KARS-related conditions. Advanced modeling of protein sequence and biophysical properties (such as structural, functional, and spatial information, amino acid conservation, physicochemical variation, residue mobility, and thermodynamic stability) has been performed at Invitae for this missense variant, however the output from this modeling did not meet the statistical confidence thresholds required to predict the impact of this variant on KARS protein function. In summary, the available evidence is currently insufficient to determine the role of this variant in disease. Therefore, it has been classified as a Variant of Uncertain Significance.